The following is an entry in ClinVar:

ClinVar aggregate classification (germline): Likely benign (0 of 4 stars; one submission).

Conditions:
ROCK2-related disorder. Also called: ROCK2-related condition.

Allele frequency attached by ClinVar (database versions not stated): ExAC 0.00001; gnomAD exomes 0.00003; TOPMed 0.00003.
gnomAD v4.1: 52 of 1,559,996 alleles (0.0033%); highest among the groups gnomAD compares: Middle Eastern, 0.085%; 3 homozygotes.

Submission:

PreventionGenetics, part of Exact Sciences
Classification: Likely benign for ROCK2-related condition. Last evaluated: 2021-10-26. Review status: no assertion criteria provided. Collection method: clinical testing. Allele origin: germline.
Comment: This variant is classified as likely benign based on ACMG/AMP sequence variant interpretation guidelines (Richards et al. 2015 PMID: 25741868, with internal and published modifications).

NM_004850.5(ROCK2):c.1332+8G>T

Gene: ROCK2 (Rho associated coiled-coil containing protein kinase 2; minus strand). Cytogenetic location: 2p25.1.
Variant type: single nucleotide variant.
Coding change: c.1332+8G>T on transcript NM_004850.5 (MANE Select); 8 bases into the intron after coding-DNA position 1332, G replaced by T.
Molecular consequence: intron variant.
Genome position (GRCh38, 1-based): chr2:11,218,447, C>A on the plus strand (G>T on the coding strand, the complement: ROCK2 is on the minus strand). VCF-style: chr2-11218447-C-A. GRCh37 (hg19) VCF-style: chr2-11358573-C-A.
Other names: c.1074+8G>T (NM_001321643.2).
Identifiers: ClinVar variation 3047934 (VCV003047934.2), dbSNP rs377125275, ClinGen allele CA1530398.